The following is an entry in ClinVar:

ClinVar aggregate classification (germline): Uncertain significance (1 of 4 stars; one submission).

Conditions:
Inborn genetic diseases. Identifiers: MedGen C0950123, MeSH D030342.

Submission:

Ambry Genetics
Classification: Uncertain significance for Inborn genetic diseases. Last evaluated: 2021-02-01. Review status: criteria provided, single submitter. Criteria: Ambry Variant Classification Scheme 2023. Collection method: clinical testing. Allele origin: germline.
Comment: The c.3851T>G (p.L1284R) alteration is located in exon 11 (coding exon 11) of the ATRX gene. This alteration results from a T to G substitution at nucleotide position 3851, causing the leucine (L) at amino acid position 1284 to be replaced by an arginine (R). The in silico prediction for the p.L1284R alteration is inconclusive. Based on insufficient or conflicting evidence, the clinical significance of this alteration remains unclear.

NM_000489.6(ATRX):c.3851T>G (p.Leu1284Arg)

Gene: ATRX (ATRX chromatin remodeler; minus strand). Cytogenetic location: Xq21.1.
Variant type: single nucleotide variant.
Coding change: c.3851T>G on transcript NM_000489.6 (MANE Select); coding-DNA position 3851, T replaced by G.
Protein change: p.Leu1284Arg; replaces leucine 1284 with arginine.
Molecular consequence: missense variant.
Genome position (GRCh38, 1-based): chrX:77,664,737, A>C on the plus strand (T>G on the coding strand, the complement: ATRX is on the minus strand). VCF-style: chrX-77664737-A-C. GRCh37 (hg19) VCF-style: chrX-76920226-A-C.
Other names: c.3737T>G, p.Leu1246Arg (NM_138270.5); short protein forms L1284R, L1246R.
Identifiers: ClinVar variation 2229089 (VCV002229089.2), dbSNP rs2519788766, ClinGen allele CA413700286.
Genomic context (GRCh38, chrX:77,664,737, plus strand): 5'-CCAGTTCTTTTTTTCCCTTCTTCTGGCTCATCATCTGAAGATCCATCCTCATCAGAGGAA[A>C]GATTGGCTTTAATTTCTTCTAAAAGCATCTTCTTGGCAATTCTTGAGAGTAAAAAACAAT-3'
Protein context (NP_000480.3, residues 1274-1294): KMLLEEIKAN[Leu1284Arg]SSDEDGSSDD